The following is an entry in ClinVar:

NM_025179.4(PLXNA2):c.4451C>T (p.Ser1484Phe)

Gene: PLXNA2 (plexin A2; minus strand). Cytogenetic location: 1q32.2.
Variant type: single nucleotide variant.
Coding change: c.4451C>T on transcript NM_025179.4 (MANE Select); coding-DNA position 4451, C replaced by T.
Protein change: p.Ser1484Phe; replaces serine 1484 with phenylalanine.
Molecular consequence: missense variant.
Genome position (GRCh38, 1-based): chr1:208,039,670, G>A on the plus strand (C>T on the coding strand, the complement: PLXNA2 is on the minus strand). VCF-style: chr1-208039670-G-A. GRCh37 (hg19) VCF-style: chr1-208213015-G-A.
Other names: short protein forms S1484F.
Identifiers: ClinVar variation 2899227 (VCV002899227.3), dbSNP rs149856641, ClinGen allele CA1372883.

ClinVar aggregate classification (germline): Uncertain significance (1 of 4 stars; one submission).

Allele frequency attached by ClinVar (database versions not stated): TOPMed below 0.00001; ExAC 0.00001; gnomAD exomes 0.00001; ESP Exome Variant Server 0.00008.
gnomAD v4.1: 11 of 1,614,218 alleles (0.00068%); highest among the groups gnomAD compares: African/African-American, 0.0013%; no homozygotes.

Submission:

Labcorp Genetics (formerly Invitae), Labcorp
Classification: Uncertain significance. Last evaluated: 2023-01-16. Review status: criteria provided, single submitter. Criteria: Invitae Variant Classification Sherloc (09022015). Collection method: clinical testing. Allele origin: germline.
Comment: Advanced modeling of protein sequence and biophysical properties (such as structural, functional, and spatial information, amino acid conservation, physicochemical variation, residue mobility, and thermodynamic stability) performed at Invitae indicates that this missense variant is expected to disrupt PLXNA2 protein function. This variant has not been reported in the literature in individuals affected with PLXNA2-related conditions. This variant is present in population databases (rs149856641, gnomAD 0.007%). This sequence change replaces serine, which is neutral and polar, with phenylalanine, which is neutral and non-polar, at codon 1484 of the PLXNA2 protein (p.Ser1484Phe). In summary, the available evidence is currently insufficient to determine the role of this variant in disease. Therefore, it has been classified as a Variant of Uncertain Significance.